The following is an entry in ClinVar:

NM_003659.4(AGPS):c.*5023C>A

Gene: AGPS (alkylglycerone phosphate synthase; plus strand). Cytogenetic location: 2q31.2.
Variant type: single nucleotide variant.
Coding change: c.*5023C>A on transcript NM_003659.4 (MANE Select); 5023 bases downstream of the stop codon, C replaced by A.
Molecular consequence: 3 prime UTR variant.
Genome position (GRCh38, 1-based): chr2:177,543,218, C>A. VCF-style: chr2-177543218-C-A. GRCh37 (hg19) VCF-style: chr2-178407946-C-A.
Identifiers: ClinVar variation 332601 (VCV000332601.34), dbSNP rs148879448, ClinGen allele CA10611541.

ClinVar aggregate classification (germline): Benign/Likely benign. Review status: criteria provided, multiple submitters, no conflicts (2 of 4 stars). 2 submissions from 2 submitters: Benign (1); Likely benign (1). Last evaluated 2023-06-01.

Conditions:
Rhizomelic chondrodysplasia punctata type 3 (RCDP3). Also called: Alkylglycerone Phosphate Synthase (AGPS) deficiency; ALKYLDIHYDROXYACETONEPHOSPHATE SYNTHASE DEFICIENCY. Identifiers: Orphanet 177, Orphanet 309803, MedGen C1838612, MONDO:0010823, OMIM 600121. Disease mechanism: loss of function.

Allele frequency attached by ClinVar (database versions not stated): 1000 Genomes Project 30x 0.00359; 1000 Genomes Project 0.00379; TOPMed 0.00608; gnomAD exomes 0.05556.
gnomAD v4.1: 999 of 152,276 alleles (0.66%); highest among the groups gnomAD compares: Middle Eastern, 1.4%; 8 homozygotes.

Submissions (2):

CeGaT Center for Human Genetics Tuebingen
Classification: Benign. Last evaluated: 2023-06-01. Review status: criteria provided, single submitter. Criteria: CeGaT Center For Human Genetics Tuebingen Variant Classification Criteria Version 2. Collection method: clinical testing. Allele origin: germline. Affected: yes. Observed: 4 variant alleles.
Comment: AGPS: BS1, BS2

Illumina Laboratory Services, Illumina
Classification: Likely benign for Rhizomelic chondrodysplasia punctata type 3. Last evaluated: 2018-01-13. Review status: criteria provided, single submitter. Criteria: ICSL Variant Classification Criteria 13 December 2019. Collection method: clinical testing. Allele origin: germline.
Comment: This variant was observed in the ICSL laboratory as part of a predisposition screen in an ostensibly healthy population. It had not been previously curated by ICSL or reported in the Human Gene Mutation Database (HGMD: prior to June 1st, 2018), and was therefore a candidate for classification through an automated scoring system. Utilizing variant allele frequency, disease prevalence and penetrance estimates, and inheritance mode, an automated score was calculated to assess if this variant is too frequent to cause the disease. Based on the score and internal cut-off values, a variant classified as likely benign is not then subjected to further curation. The score for this variant resulted in a classification of likely benign for this disease.